The following is an entry in ClinVar:

ClinVar aggregate classification (germline): Uncertain significance (1 of 4 stars; one submission).

Conditions:
Hereditary breast ovarian cancer syndrome. Also called: Hereditary breast and ovarian cancer; Hereditary breast and/or ovarian cancer syndrome; Hereditary breast and ovarian cancer syndrome; Hereditary breast and ovarian cancer syndrome (HBOC); Breast and ovarian cancer; BRCA1- and BRCA2-Associated Hereditary Breast and Ovarian Cancer. Identifiers: Orphanet 145, MedGen C0677776, MeSH D061325, MONDO:0003582. Disease mechanism: loss of function.

Submission:

Labcorp Genetics (formerly Invitae), Labcorp
Classification: Uncertain significance for Hereditary breast ovarian cancer syndrome. Last evaluated: 2023-07-11. Review status: criteria provided, single submitter. Criteria: Invitae Variant Classification Sherloc (09022015). Collection method: clinical testing. Allele origin: germline.
Comment: In summary, the available evidence is currently insufficient to determine the role of this variant in disease. Therefore, it has been classified as a Variant of Uncertain Significance. Variants that disrupt the consensus splice site are a relatively common cause of aberrant splicing (PMID: 17576681, 9536098). Algorithms developed to predict the effect of sequence changes on RNA splicing suggest that this variant may create or strengthen a splice site. ClinVar contains an entry for this variant (Variation ID: 965884). This variant has not been reported in the literature in individuals affected with BRCA2-related conditions. This variant is not present in population databases (gnomAD no frequency). This variant occurs in a non-coding region of the BRCA2 gene. It does not change the encoded amino acid sequence of the BRCA2 protein. This variant also falls at the last nucleotide of exon 1, which is part of the consensus splice site for this exon.

Literature cited by the submitters: PubMed 17576681; PubMed 9536098.

NM_000059.4(BRCA2):c.-40G>A

Genes: BRCA2 (BRCA2 DNA repair associated; plus strand), LOC106721785 (BRCA2 promoter/silencer region; plus strand). Cytogenetic location: 13q13.1.
Variant type: single nucleotide variant.
Coding change: c.-40G>A on transcript NM_000059.4 (MANE Select); 40 bases upstream of the start codon, G replaced by A.
Molecular consequence: 5 prime UTR variant.
Genome position (GRCh38, 1-based): chr13:32,315,667, G>A. VCF-style: chr13-32315667-G-A. GRCh37 (hg19) VCF-style: chr13-32889804-G-A.
Identifiers: ClinVar variation 965884 (VCV000965884.10), dbSNP rs1555279967, ClinGen allele CA1139663039.